The following is an entry in ClinVar:

ClinVar aggregate classification (germline): Likely benign. Review status: criteria provided, multiple submitters, no conflicts (2 of 4 stars). 3 submissions from 3 submitters: Likely benign (3). Last evaluated 2026-01-09.

Allele frequency attached by ClinVar (database versions not stated): ExAC 0.00001; gnomAD exomes 0.00001 and 0.00003; gnomAD 0.00002; TOPMed 0.00002; 1000 Genomes Project 0.00020; 1000 Genomes Project 30x 0.00031.
gnomAD v4.1: 60 of 1,612,494 alleles (0.0037%); highest among the groups gnomAD compares: Non-Finnish European, 0.0042%; no homozygotes.

Submissions (3):

Labcorp Genetics (formerly Invitae), Labcorp
Classification: Likely benign. Last evaluated: 2026-01-09. Review status: criteria provided, single submitter. Criteria: Invitae Variant Classification Sherloc (09022015). Collection method: clinical testing. Allele origin: germline.

Mayo Clinic Laboratories, Mayo Clinic
Classification: Likely benign. Last evaluated: 2025-06-03. Review status: criteria provided, single submitter. Criteria: ACMG Guidelines, 2015. Collection method: clinical testing. Allele origin: germline. Observed: 2 variant alleles.
Comment: BP4, BP7, PM2_supporting

Blueprint Genetics
Classification: Likely benign. Last evaluated: 2023-09-04. Review status: criteria provided, single submitter. Criteria: ACMG Guidelines, 2015. Collection method: clinical testing. Allele origin: germline.

NM_014049.5(ACAD9):c.12C>T (p.Cys4=)

Gene: ACAD9 (acyl-CoA dehydrogenase family member 9; plus strand). Cytogenetic location: 3q21.3.
Variant type: single nucleotide variant.
Coding change: c.12C>T on transcript NM_014049.5 (MANE Select); coding-DNA position 12, C replaced by T.
Protein change: p.Cys4=; no amino-acid change (cysteine 4 retained).
Molecular consequence: synonymous variant. On other transcripts: non-coding transcript variant (1).
Genome position (GRCh38, 1-based): chr3:128,879,703, C>T. VCF-style: chr3-128879703-C-T. GRCh37 (hg19) VCF-style: chr3-128598546-C-T.
Other names: p.Cys4=.
Identifiers: ClinVar variation 1119742 (VCV001119742.11), dbSNP rs148386594, ClinGen allele CA2600996.
Genomic context (GRCh38, chr3:128,879,703, plus strand): 5'-GGCGCTAAGAAGGGGAGACTGAGGCTGAGGCTGGGGAACATCGGGCAGCATGAGCGGCTG[C>T]GGGCTCTTCCTGCGCACCACGGCTGCGGCTCGTGCCTGCCGGGGTCTGGTGGTCTCTACC-3'
Protein context (NP_054768.2, residues 1-14): MSG[Cys4=]GLFLRTTAAA